The following is an entry in ClinVar:

NM_198253.3(TERT):c.623G>A (p.Arg208Lys)

Gene: TERT (telomerase reverse transcriptase; minus strand). Cytogenetic location: 5p15.33.
Variant type: single nucleotide variant.
Coding change: c.623G>A on transcript NM_198253.3 (MANE Select); coding-DNA position 623, G replaced by A.
Protein change: p.Arg208Lys; replaces arginine 208 with lysine.
Molecular consequence: missense variant. On other transcripts: non-coding transcript variant (2).
Genome position (GRCh38, 1-based): chr5:1,294,263, C>T on the plus strand (G>A on the coding strand, the complement: TERT is on the minus strand). VCF-style: chr5-1294263-C-T. GRCh37 (hg19) VCF-style: chr5-1294378-C-T.
Other names: c.623G>A, p.Arg208Lys (NM_001193376.3, NM_003219.1); short protein forms R208K.
Identifiers: ClinVar variation 3238475 (VCV003238475.1), dbSNP rs2478423326.

ClinVar aggregate classification (germline): Uncertain significance (1 of 4 stars; one submission).

Conditions:
Dyskeratosis congenita. Identifiers: Orphanet 1775, MedGen C0265965, MONDO:0015780.

Submission:

Ambry Genetics
Classification: Uncertain significance for Dyskeratosis congenita. Last evaluated: 2023-11-19. Review status: criteria provided, single submitter. Criteria: Ambry Variant Classification Scheme 2023. Collection method: clinical testing. Allele origin: germline.
Comment: The p.R208K variant (also known as c.623G>A), located in coding exon 2 of the TERT gene, results from a G to A substitution at nucleotide position 623. The arginine at codon 208 is replaced by lysine, an amino acid with highly similar properties. This amino acid position is conserved. In addition, this alteration is predicted to be tolerated by in silico analysis. Since supporting evidence is limited at this time, the clinical significance of this alteration remains unclear.